The following is an entry in ClinVar:

NM_001130009.3(GEN1):c.1168G>A (p.Gly390Ser)

Gene: GEN1 (GEN1 structure-specific endonuclease; plus strand). Cytogenetic location: 2p24.2.
Variant type: single nucleotide variant.
Coding change: c.1168G>A on transcript NM_001130009.3 (MANE Select); coding-DNA position 1168, G replaced by A.
Protein change: p.Gly390Ser; replaces glycine 390 with serine.
Molecular consequence: missense variant.
Genome position (GRCh38, 1-based): chr2:17,774,367, G>A. VCF-style: chr2-17774367-G-A. GRCh37 (hg19) VCF-style: chr2-17955634-G-A.
Other names: c.1168G>A, p.Gly390Ser (NM_182625.5); short protein forms G390S.
Identifiers: ClinVar variation 3614677 (VCV003614677.2).
Genomic context (GRCh38, chr2:17,774,367, plus strand): 5'-TATGCATGTGAGAAATTGCTGGTACTTTTGACCCATTATGACATGATAGAAAGAAAGCTT[G>A]GTAGCAGAAACTCTAATCAACTACAGCCAATTCGGTAATGTAAAGAACTGTATGGTGAAG-3'
Protein context (NP_001123481.3, residues 380-400): THYDMIERKL[Gly390Ser]SRNSNQLQPI

ClinVar aggregate classification (germline): Uncertain significance (1 of 4 stars; one submission).

Submission:

Labcorp Genetics (formerly Invitae), Labcorp
Classification: Uncertain significance. Last evaluated: 2024-10-11. Review status: criteria provided, single submitter. Criteria: Invitae Variant Classification Sherloc (09022015). Collection method: clinical testing. Allele origin: germline.
Comment: This sequence change replaces glycine, which is neutral and non-polar, with serine, which is neutral and polar, at codon 390 of the GEN1 protein (p.Gly390Ser). This variant is not present in population databases (gnomAD no frequency). This variant has not been reported in the literature in individuals affected with GEN1-related conditions. An algorithm developed to predict the effect of missense changes on protein structure and function (PolyPhen-2) suggests that this variant is likely to be disruptive. Algorithms developed to predict the effect of sequence changes on RNA splicing suggest that this variant may disrupt the consensus splice site. In summary, the available evidence is currently insufficient to determine the role of this variant in disease. Therefore, it has been classified as a Variant of Uncertain Significance.